The following is an entry in ClinVar:

NM_001283009.2(RTEL1):c.1603G>A (p.Glu535Lys)

Genes: RTEL1-TNFRSF6B (RTEL1-TNFRSF6B readthrough (NMD candidate); plus strand), RTEL1 (regulator of telomere elongation helicase 1; plus strand). Cytogenetic location: 20q13.33.
Variant type: single nucleotide variant.
Coding change: c.1603G>A on transcript NM_001283009.2 (MANE Select); coding-DNA position 1603, G replaced by A.
Protein change: p.Glu535Lys; replaces glutamic acid 535 with lysine.
Molecular consequence: missense variant. On other transcripts: non-coding transcript variant (1).
Genome position (GRCh38, 1-based): chr20:63,688,146, G>A. VCF-style: chr20-63688146-G-A. GRCh37 (hg19) VCF-style: chr20-62319499-G-A.
Other names: c.934G>A, p.Glu312Lys (NM_001283010.1); c.1603G>A, p.Glu535Lys (NM_016434.4); c.1675G>A, p.Glu559Lys (NM_032957.5); short protein forms E535K, E559K, E312K.
Identifiers: ClinVar variation 1374673 (VCV001374673.6), dbSNP rs1367858373, ClinGen allele CA409676982.

ClinVar aggregate classification (germline): Uncertain significance. Review status: criteria provided, multiple submitters, no conflicts (2 of 4 stars). 2 submissions from 2 submitters: Uncertain significance (2). Last evaluated 2025-11-08.

Conditions:
Inborn genetic diseases. Identifiers: MedGen C0950123, MeSH D030342.
Dyskeratosis congenita, autosomal recessive 5 (DKCB5). Identifiers: MedGen C3554656, MONDO:0014076, OMIM 615190.
Pulmonary fibrosis and/or bone marrow failure, Telomere-related, 3. Also called: PULMONARY FIBROSIS AND/OR BONE MARROW FAILURE SYNDROME, TELOMERE-RELATED, 3. Identifiers: Orphanet 2032, MedGen C4225346, MONDO:0014613, OMIM 616373.

Allele frequency attached by ClinVar (database versions not stated): gnomAD exomes 0.00001 and 0.00002; gnomAD 0.00001; TOPMed 0.00002.
gnomAD v4.1: 9 of 1,612,308 alleles (0.00056%); highest among the groups gnomAD compares: Middle Eastern, 0.016%; no homozygotes.

Submissions (2):

Ambry Genetics
Classification: Uncertain significance for Inborn genetic diseases. Last evaluated: 2025-11-08. Review status: criteria provided, single submitter. Criteria: Ambry Variant Classification Scheme 2023. Collection method: clinical testing. Allele origin: germline.
Comment: The p.E535K variant (also known as c.1603G>A), located in coding exon 18 of the RTEL1 gene, results from a G to A substitution at nucleotide position 1603. The glutamic acid at codon 535 is replaced by lysine, an amino acid with similar properties. This amino acid position is conserved. In addition, this alteration is predicted to be tolerated by in silico analysis. Based on the available evidence, the clinical significance of this variant remains unclear.

Labcorp Genetics (formerly Invitae), Labcorp
Classification: Uncertain significance for Dyskeratosis congenita, autosomal recessive 5; Pulmonary fibrosis and/or bone marrow failure, Telomere-related, 3. Last evaluated: 2021-08-24. Review status: criteria provided, single submitter. Criteria: Invitae Variant Classification Sherloc (09022015). Collection method: clinical testing. Allele origin: germline.
Comment: This sequence change replaces glutamic acid with lysine at codon 535 of the RTEL1 protein (p.Glu535Lys). The glutamic acid residue is weakly conserved and there is a small physicochemical difference between glutamic acid and lysine. This variant is not present in population databases (ExAC no frequency). This variant has not been reported in the literature in individuals affected with RTEL1-related conditions. Algorithms developed to predict the effect of missense changes on protein structure and function output the following: SIFT: "Tolerated"; PolyPhen-2: "Benign"; Align-GVGD: "Class C0". The lysine amino acid residue is found in multiple mammalian species, which suggests that this missense change does not adversely affect protein function. In summary, the available evidence is currently insufficient to determine the role of this variant in disease. Therefore, it has been classified as a Variant of Uncertain Significance.